The following is an entry in ClinVar:

ClinVar aggregate classification (germline): Likely benign (1 of 4 stars; one submission).

Allele frequency attached by ClinVar (database versions not stated): gnomAD exomes below 0.00001; gnomAD 0.00001; TOPMed 0.00001.
gnomAD v4.1: 6 of 1,614,002 alleles (0.00037%); highest among the groups gnomAD compares: South Asian, 0.0022%; no homozygotes.

Submission:

GeneDx
Classification: Likely benign. Last evaluated: 2017-04-28. Review status: criteria provided, single submitter. Criteria: GeneDx Variant Classification (06012015). Collection method: clinical testing. Allele origin: germline. Affected: yes.
Comment: This variant is considered likely benign or benign based on one or more of the following criteria: it is a conservative change, it occurs at a poorly conserved position in the protein, it is predicted to be benign by multiple in silico algorithms, and/or has population frequency not consistent with disease.

NM_017827.4(SARS2):c.535-5T>C

Gene: SARS2 (seryl-tRNA synthetase 2, mitochondrial; minus strand). Cytogenetic location: 19q13.2.
Variant type: single nucleotide variant.
Coding change: c.535-5T>C on transcript NM_017827.4 (MANE Select); 5 bases into the intron before coding-DNA position 535, T replaced by C.
Molecular consequence: intron variant.
Genome position (GRCh38, 1-based): chr19:38,921,451, A>G on the plus strand (T>C on the coding strand, the complement: SARS2 is on the minus strand). VCF-style: chr19-38921451-A-G. GRCh37 (hg19) VCF-style: chr19-39412091-A-G.
Other names: c.541-5T>C (NM_001145901.2).
Identifiers: ClinVar variation 508966 (VCV000508966.1), dbSNP rs1443445429, ClinGen allele CA658799222.